The following is an entry in ClinVar:

NM_003835.4(RGS9):c.1117A>G (p.Met373Val)

Gene: RGS9 (regulator of G protein signaling 9; plus strand). Cytogenetic location: 17q24.1.
Variant type: single nucleotide variant.
Coding change: c.1117A>G on transcript NM_003835.4 (MANE Select); coding-DNA position 1117, A replaced by G.
Protein change: p.Met373Val; replaces methionine 373 with valine.
Molecular consequence: missense variant.
Genome position (GRCh38, 1-based): chr17:65,204,215, A>G. VCF-style: chr17-65204215-A-G. GRCh37 (hg19) VCF-style: chr17-63200333-A-G.
Other names: c.1108A>G, p.Met370Val (NM_001081955.3, NM_001165933.2); short protein forms M370V, M373V.
Identifiers: ClinVar variation 965561 (VCV000965561.9), dbSNP rs1912960195, ClinGen allele CA400670105.

ClinVar aggregate classification (germline): Uncertain significance (1 of 4 stars; one submission).

gnomAD v4.1: 1 of 1,613,378 alleles (0.000062%); no homozygotes.

Submission:

Labcorp Genetics (formerly Invitae), Labcorp
Classification: Uncertain significance. Last evaluated: 2019-11-04. Review status: criteria provided, single submitter. Criteria: Invitae Variant Classification Sherloc (09022015). Collection method: clinical testing. Allele origin: germline.
Comment: This sequence change replaces methionine with valine at codon 373 of the RGS9 protein (p.Met373Val). The methionine residue is highly conserved and there is a small physicochemical difference between methionine and valine. This variant is not present in population databases (ExAC no frequency). This variant has not been reported in the literature in individuals with RGS9-related conditions. Algorithms developed to predict the effect of missense changes on protein structure and function are either unavailable or do not agree on the potential impact of this missense change (SIFT: "Deleterious"; PolyPhen-2: "Probably Damaging"; Align-GVGD: "Class C15"). In summary, the available evidence is currently insufficient to determine the role of this variant in disease. Therefore, it has been classified as a Variant of Uncertain Significance.